The following is an entry in ClinVar:

ClinVar aggregate classification (germline): Uncertain significance. Review status: criteria provided, multiple submitters, no conflicts (2 of 4 stars). 5 submissions from 5 submitters: Uncertain significance (5). Last evaluated 2026-06-16.

Conditions:
TTC21B-related disorder. Also called: TTC21B-related condition; TTC21B-related disorders.
Inborn genetic diseases. Identifiers: MedGen C0950123, MeSH D030342.
Nephronophthisis. Also called: Juvenile Nephronophthisis. Identifiers: Orphanet 655, MedGen C0687120, MONDO:0019005, HP:0000090.
Jeune thoracic dystrophy. Also called: Short-rib thoracic dysplasia; Jeune syndrome; Infantile thoracic dystrophy; Thoracic pelvic phalangeal dystrophy; Jeune's syndrome; Chondroectodermal dysplasia-like syndrome. Identifiers: Orphanet 474, MedGen C0265275, MONDO:0018770.

Allele frequency attached by ClinVar (database versions not stated): ExAC 0.00003; gnomAD 0.00005 and 0.00006; TOPMed 0.00005; ESP Exome Variant Server 0.00015.
gnomAD v4.1: 116 of 1,610,090 alleles (0.0072%); highest among the groups gnomAD compares: Non-Finnish European, 0.0097%; no homozygotes.

Submissions (5):

PreventionGenetics, part of Exact Sciences
Classification: Uncertain significance for TTC21B-related condition. Last evaluated: 2026-06-16. Review status: criteria provided, single submitter. Criteria: ACMG Guidelines, 2015. Collection method: clinical testing. Allele origin: germline.
Comment: The TTC21B c.455A>C variant is predicted to result in the amino acid substitution p.Asp152Ala. To our knowledge, this variant has not been reported in the literature. This variant is reported in 0.012% of alleles in individuals of European (Non-Finnish) descent in gnomAD. At this time, the clinical significance of this variant is uncertain due to the absence of conclusive functional and genetic evidence.

GeneDx
Classification: Uncertain significance. Last evaluated: 2023-03-15. Review status: criteria provided, single submitter. Criteria: GeneDx Variant Classification Process June 2021. Collection method: clinical testing. Allele origin: germline. Affected: yes.
Comment: Not observed at significant frequency in large population cohorts (gnomAD); In silico analysis supports that this missense variant has a deleterious effect on protein structure/function; Has not been previously published as pathogenic or benign to our knowledge

Labcorp Genetics (formerly Invitae), Labcorp
Classification: Uncertain significance for Jeune thoracic dystrophy; Nephronophthisis. Last evaluated: 2022-07-22. Review status: criteria provided, single submitter. Criteria: Invitae Variant Classification Sherloc (09022015). Collection method: clinical testing. Allele origin: germline.
Comment: This sequence change replaces aspartic acid, which is acidic and polar, with alanine, which is neutral and non-polar, at codon 152 of the TTC21B protein (p.Asp152Ala). This variant is present in population databases (rs145726127, gnomAD 0.01%). This variant has not been reported in the literature in individuals affected with TTC21B-related conditions. ClinVar contains an entry for this variant (Variation ID: 437077). Algorithms developed to predict the effect of missense changes on protein structure and function are either unavailable or do not agree on the potential impact of this missense change (SIFT: "Deleterious"; PolyPhen-2: "Possibly Damaging"; Align-GVGD: "Class C0"). In summary, the available evidence is currently insufficient to determine the role of this variant in disease. Therefore, it has been classified as a Variant of Uncertain Significance.

Ambry Genetics
Classification: Uncertain significance for Inborn genetic diseases. Last evaluated: 2021-09-01. Review status: criteria provided, single submitter. Criteria: Ambry Variant Classification Scheme 2023. Collection method: clinical testing. Allele origin: germline.

Genetic Services Laboratory, University of Chicago
Classification: Uncertain significance. Last evaluated: 2015-10-20. Review status: criteria provided, single submitter. Criteria: ACMG Guidelines, 2015. Collection method: clinical testing. Allele origin: germline. Affected: no.

NM_024753.5(TTC21B):c.455A>C (p.Asp152Ala)

Genes: TTC21B-AS1 (TTC21B antisense RNA 1; plus strand), TTC21B (tetratricopeptide repeat domain 21B; minus strand). Cytogenetic location: 2q24.3.
Variant type: single nucleotide variant.
Coding change: c.455A>C on transcript NM_024753.5 (MANE Select); coding-DNA position 455, A replaced by C.
Protein change: p.Asp152Ala; replaces aspartic acid 152 with alanine.
Molecular consequence: missense variant.
Genome position (GRCh38, 1-based): chr2:165,943,316, T>G on the plus strand (A>C on the coding strand, the complement: TTC21B is on the minus strand). VCF-style: chr2-165943316-T-G. GRCh37 (hg19) VCF-style: chr2-166799826-T-G.
Other names: c.455A>C (NM_024753.3); short protein forms D152A.
Identifiers: ClinVar variation 437077 (VCV000437077.11), dbSNP rs145726127, ClinGen allele CA1942429.